The following is an entry in ClinVar:

ClinVar aggregate classification (germline): Likely pathogenic. Review status: reviewed by expert panel (3 of 4 stars). 5 submissions from 5 submitters: Likely pathogenic (1). 4 of the submissions do not count toward it. Last evaluated 2023-10-10.

Conditions:
Severe combined immunodeficiency, autosomal recessive, T cell-negative, B cell-negative, NK cell-negative, due to adenosine deaminase deficiency. Also called: SCID DUE TO ADA DEFICIENCY; SCID DUE TO ADA DEFICIENCY, EARLY-ONSET; ADA-SCID; ADA deficiency; Adenosine deaminase deficient severe combined immunodeficiency; Severe combined immunodeficiency due to ADA deficiency. Identifiers: Orphanet 277, MedGen C0392607, MONDO:0007064, OMIM 102700.

Allele frequency attached by ClinVar (database versions not stated): gnomAD 0.00001; TOPMed 0.00002; ExAC 0.00003.

Submissions (5):

ClinGen Severe Combined Immunodeficiency Variant Curation Expert Panel, ClinGen
Classification: Likely pathogenic for Severe combined immunodeficiency, autosomal recessive, T cell-negative, B cell-negative, NK cell-negative, due to adenosine deaminase deficiency. Last evaluated: 2023-10-10. Review status: reviewed by expert panel. Criteria: ClinGen SCID ACMG Specifications ADA V1.0.0. Collection method: curation. Allele origin: germline. Inheritance: Autosomal recessive inheritance.
Comment: The NM_000022.4:c.445C>T (p.Arg149Trp) variant in ADA is a missense variant predicted to cause substitution of arginine by tryptophan at amino acid 149 (p.Arg149Trp). This variant has been reported in an individual with severe combined immunodeficiency and elevated pre-treatment erythrocyte dAXP (2pts, PMID: 10200056) (PP4_Moderate). In experimental studies, the activity of this variant was reported as being 0.012% of wild-type activity (PMID: 9758612) (PS3_Moderate). The highest subpopulation allele frequency 0.00009294 (2/21520) in African/African American population, which is lower than the ADA cutoff gnomAD popmax filtering allele frequency <0.0001742). So PM2 is met. In summary, this variant meets the criteria to be classified as likely pathogenic for SCID. ACMG/AMP criteria applied, as specified by the ClinGen SCID-VCEP: PM2_Supporting, PP4_Moderate, PS3_Moderate (SCID VCEP specifications version 1.0).

Labcorp Genetics (formerly Invitae), Labcorp
Classification: Likely pathogenic for Severe combined immunodeficiency, autosomal recessive, T cell-negative, B cell-negative, NK cell-negative, due to adenosine deaminase deficiency. Last evaluated: 2025-12-16. Review status: criteria provided, single submitter. Criteria: Invitae Variant Classification Sherloc (09022015). Collection method: clinical testing. Allele origin: germline. Not counted in ClinVar's aggregate classification.
Comment: This sequence change replaces arginine, which is basic and polar, with tryptophan, which is neutral and slightly polar, at codon 149 of the ADA protein (p.Arg149Trp). The frequency data for this variant in the population databases is considered unreliable, as metrics indicate poor data quality at this position in the gnomAD database. This missense change has been observed in individual(s) with clinical features of severe combined immunodeficiency (PMID: 10200056, 32888943, 36790564; Phillips. 2023. Clinical Immunology. Volume 250). ClinVar contains an entry for this variant (Variation ID: 68264). Invitae Evidence Modeling of protein sequence and biophysical properties (such as structural, functional, and spatial information, amino acid conservation, physicochemical variation, residue mobility, and thermodynamic stability) indicates that this missense variant is expected to disrupt ADA protein function with a positive predictive value of 80%. Experimental studies have shown that this missense change affects ADA function (PMID: 9758612). This variant disrupts the p.Arg149 amino acid residue in ADA. Other variant(s) that disrupt this residue have been observed in individuals with ADA-related conditions (PMID: 2166947), which suggests that this may be a clinically significant amino acid residue. In summary, the currently available evidence indicates that the variant is pathogenic, but additional data are needed to prove that conclusively. Therefore, this variant has been classified as Likely Pathogenic.

Natera, Inc.
Classification: Likely pathogenic for Severe combined immunodeficiency due to ADA deficiency. Last evaluated: 2025-06-12. Review status: criteria provided, single submitter. Criteria: Natera Variant Classification Schema (03/2026). Collection method: clinical testing. Allele origin: germline. Not counted in ClinVar's aggregate classification.
Comment: The c.445C>T variant in ADA is a missense variant predicted to cause substitution of arginine to tryptophan at amino acid 149. This variant is rare in the general population with a frequency below the threshold expected for the associated phenotype(s). This variant has been observed in one or more individuals affected with the associated recessive disease, as either homozygous or compound heterozygous with a second variant (PMID: 32888943, 38676811, 37154862). Functional studies show that this variant may disrupt protein function (PMID: 9758612). Computational prediction algorithms indicate this variant is likely to affect gene or protein function. Given the available evidence, this variant is classified as Likely Pathogenic.

Counsyl
Classification: Uncertain significance for Severe combined immunodeficiency, autosomal recessive, T cell-negative, B cell-negative, NK cell-negative, due to adenosine deaminase deficiency. Last evaluated: 2017-03-23. Review status: no assertion criteria provided. Collection method: clinical testing. Allele origin: unknown. Not counted in ClinVar's aggregate classification.

UniProtKB/Swiss-Prot
No classification provided. Condition: Severe combined immunodeficiency due to ADA deficiency. Review status: no classification provided. Collection method: not provided. Allele origin: unknown. Not counted in ClinVar's aggregate classification.

Literature cited by the submitters: PubMed 10200056 (cited by Labcorp Genetics (formerly Invitae), Labcorp and Counsyl); PubMed 32888943 (cited by Labcorp Genetics (formerly Invitae), Labcorp and Natera, Inc.); PubMed 36790564 (cited by Labcorp Genetics (formerly Invitae), Labcorp); PubMed 2023 (cited by Labcorp Genetics (formerly Invitae), Labcorp); PubMed 250 (cited by Labcorp Genetics (formerly Invitae), Labcorp); PubMed 9758612 (cited by 3 submitters); PubMed 2166947 (cited by Labcorp Genetics (formerly Invitae), Labcorp); PubMed 38676811 (cited by Natera, Inc.); PubMed 37154862 (cited by Natera, Inc.).

NM_000022.4(ADA):c.445C>T (p.Arg149Trp)

Gene: ADA (adenosine deaminase; minus strand). Cytogenetic location: 20q13.12.
Variant type: single nucleotide variant.
Coding change: c.445C>T on transcript NM_000022.4 (MANE Select); coding-DNA position 445, C replaced by T.
Protein change: p.Arg149Trp; replaces arginine 149 with tryptophan.
Molecular consequence: missense variant. On other transcripts: non-coding transcript variant (1), intron variant (1).
Genome position (GRCh38, 1-based): chr20:44,625,602, G>A on the plus strand (C>T on the coding strand, the complement: ADA is on the minus strand). VCF-style: chr20-44625602-G-A. GRCh37 (hg19) VCF-style: chr20-43254243-G-A.
Other names: NM_000022.4(ADA):c.445C>T; c.445C>T (NM_000022.3); c.445C>T, p.Arg149Trp (NM_001322051.2); c.73+854C>T (NM_001322050.2); short protein forms R149W.
Identifiers: ClinVar variation 68264 (VCV000068264.8), dbSNP rs121908733, ClinGen allele CA266014.